The following is an entry in ClinVar:

NM_018489.3(ASH1L):c.6718T>C (p.Tyr2240His)

Gene: ASH1L (ASH1 like histone lysine methyltransferase; minus strand). Cytogenetic location: 1q22.
Variant type: single nucleotide variant.
Coding change: c.6718T>C on transcript NM_018489.3 (MANE Select); coding-DNA position 6718, T replaced by C.
Protein change: p.Tyr2240His; replaces tyrosine 2240 with histidine.
Molecular consequence: missense variant.
Genome position (GRCh38, 1-based): chr1:155,360,378, A>G on the plus strand (T>C on the coding strand, the complement: ASH1L is on the minus strand). VCF-style: chr1-155360378-A-G. GRCh37 (hg19) VCF-style: chr1-155330169-A-G.
Other names: c.6733T>C, p.Tyr2245His (NM_001366177.2); short protein forms Y2245H, Y2240H.
Identifiers: ClinVar variation 5009356 (VCV005009356.1).

ClinVar aggregate classification (germline): Uncertain significance (1 of 4 stars; one submission).

Submission:

GeneDx
Classification: Uncertain significance. Last evaluated: 2026-03-17. Review status: criteria provided, single submitter. Criteria: GeneDx Variant Classification Process June 2021. Collection method: clinical testing. Allele origin: germline.
Comment: Not observed at significant frequency in large population cohorts (gnomAD); In silico analysis supports that this missense variant has a deleterious effect on protein structure/function; Has not been previously published as pathogenic or benign to our knowledge